The following is an entry in ClinVar:

NM_001062.4(TCN1):c.438G>T (p.Gln146His)

Gene: TCN1 (transcobalamin 1; minus strand). Cytogenetic location: 11q12.1.
Variant type: single nucleotide variant.
Coding change: c.438G>T on transcript NM_001062.4 (MANE Select); coding-DNA position 438, G replaced by T.
Protein change: p.Gln146His; replaces glutamine 146 with histidine.
Molecular consequence: missense variant.
Genome position (GRCh38, 1-based): chr11:59,861,645, C>A on the plus strand (G>T on the coding strand, the complement: TCN1 is on the minus strand). VCF-style: chr11-59861645-C-A. GRCh37 (hg19) VCF-style: chr11-59629118-C-A.
Other names: c.438G>T (NM_001062.3); short protein forms Q146H.
Identifiers: ClinVar variation 3703747 (VCV003703747.3).
Genomic context (GRCh38, chr11:59,861,645, plus strand): 5'-AACTTCGGCGGTTGAGTAGTTCCCATTGAACAGACACAAGGCCAAAACGTCCAGGCTGAG[C>A]TGGTAGTAGTTAGTCAGGGGAGTGCCATTGTGTGCTTCTAGAAAAGAGAAGAAATACCTC-3'
Protein context (NP_001053.2, residues 136-156): HNGTPLTNYY[Gln146His]LSLDVLALCL

ClinVar aggregate classification (germline): Uncertain significance. Review status: criteria provided, multiple submitters, no conflicts (2 of 4 stars). 2 submissions from 2 submitters: Uncertain significance (2). Last evaluated 2025-06-13.

Conditions:
Transcobalamin I deficiency (TCN1D). Also called: COBALAMIN PSEUDODEFICIENCY DUE TO TRANSCOBALAMIN DEFICIENCY; COBALAMIN R BINDER PROTEIN DEFICIENCY; TCN1 DEFICIENCY. Identifiers: Orphanet 2967, MedGen C0342700, MONDO:0008659, OMIM 193090.

gnomAD v4.1: 62 of 1,614,098 alleles (0.0038%); highest among the groups gnomAD compares: African/African-American, 0.081%; no homozygotes.

Submissions (2):

Labcorp Genetics (formerly Invitae), Labcorp
Classification: Uncertain significance for Transcobalamin I deficiency. Last evaluated: 2025-06-13. Review status: criteria provided, single submitter. Criteria: Invitae Variant Classification Sherloc (09022015). Collection method: clinical testing. Allele origin: germline.
Comment: This sequence change replaces glutamine, which is neutral and polar, with histidine, which is basic and polar, at codon 146 of the TCN1 protein (p.Gln146His). This variant is present in population databases (rs145685147, gnomAD 0.05%). This variant has not been reported in the literature in individuals affected with TCN1-related conditions. ClinVar contains an entry for this variant (Variation ID: 3703747). An algorithm developed to predict the effect of missense changes on protein structure and function (PolyPhen-2) suggests that this variant is likely to be disruptive. In summary, the available evidence is currently insufficient to determine the role of this variant in disease. Therefore, it has been classified as a Variant of Uncertain Significance.

Ambry Genetics
Classification: Uncertain significance. Last evaluated: 2025-04-09. Review status: criteria provided, single submitter. Criteria: Ambry Variant Classification Scheme 2023. Collection method: clinical testing. Allele origin: germline.